The following is an entry in ClinVar:

ClinVar aggregate classification (germline): Likely benign. Review status: criteria provided, multiple submitters, no conflicts (2 of 4 stars). 3 submissions from 3 submitters: Likely benign (2). 1 of the submissions does not count toward it. Last evaluated 2025-09-10.

Conditions:
CTC1-related disorder. Also called: CTC1-related condition.
Dyskeratosis congenita. Identifiers: Orphanet 1775, MedGen C0265965, MONDO:0015780.

Allele frequency attached by ClinVar (database versions not stated): ExAC 0.00001; gnomAD exomes 0.00001; TOPMed 0.00001; gnomAD 0.00002 and 0.00003.
gnomAD v4.1: 22 of 1,593,842 alleles (0.0014%); highest among the groups gnomAD compares: Admixed American, 0.0052%; no homozygotes.

Submissions (3):

Labcorp Genetics (formerly Invitae), Labcorp
Classification: Likely benign for Dyskeratosis congenita. Last evaluated: 2025-09-10. Review status: criteria provided, single submitter. Criteria: Invitae Variant Classification Sherloc (09022015). Collection method: clinical testing. Allele origin: germline.

Blueprint Genetics
Classification: Likely benign. Last evaluated: 2024-08-23. Review status: criteria provided, single submitter. Criteria: ACMG Guidelines, 2015. Collection method: clinical testing. Allele origin: germline.

PreventionGenetics, part of Exact Sciences
Classification: Likely benign for CTC1-related condition. Last evaluated: 2024-01-26. Review status: no assertion criteria provided. Collection method: clinical testing. Allele origin: germline. Not counted in ClinVar's aggregate classification.
Comment: This variant is classified as likely benign based on ACMG/AMP sequence variant interpretation guidelines (Richards et al. 2015 PMID: 25741868, with internal and published modifications).

NM_025099.6(CTC1):c.2476-6G>A

Gene: CTC1 (CST telomere replication complex component 1; minus strand). Cytogenetic location: 17p13.1.
Variant type: single nucleotide variant.
Coding change: c.2476-6G>A on transcript NM_025099.6 (MANE Select); 6 bases into the intron before coding-DNA position 2476, G replaced by A.
Molecular consequence: intron variant.
Genome position (GRCh38, 1-based): chr17:8,231,475, C>T on the plus strand (G>A on the coding strand, the complement: CTC1 is on the minus strand). VCF-style: chr17-8231475-C-T. GRCh37 (hg19) VCF-style: chr17-8134793-C-T.
Other names: c.2476-6G>A (NM_025099.5).
Identifiers: ClinVar variation 1145025 (VCV001145025.12), dbSNP rs768967446, ClinGen allele CA8372053.